The following is an entry in ClinVar:

NM_005560.6(LAMA5):c.3361C>T (p.Arg1121Cys)

Gene: LAMA5 (laminin subunit alpha 5; minus strand). Cytogenetic location: 20q13.33.
Variant type: single nucleotide variant.
Coding change: c.3361C>T on transcript NM_005560.6 (MANE Select); coding-DNA position 3361, C replaced by T.
Protein change: p.Arg1121Cys; replaces arginine 1121 with cysteine.
Molecular consequence: missense variant.
Genome position (GRCh38, 1-based): chr20:62,332,639, G>A on the plus strand (C>T on the coding strand, the complement: LAMA5 is on the minus strand). VCF-style: chr20-62332639-G-A. GRCh37 (hg19) VCF-style: chr20-60907695-G-A.
Other names: c.3361C>T (NM_005560.4); short protein forms R1121C.
Identifiers: ClinVar variation 1489102 (VCV001489102.7), dbSNP rs142481643, ClinGen allele CA9943039.

ClinVar aggregate classification (germline): Uncertain significance. Review status: criteria provided, single submitter (1 of 4 stars). 2 submissions from 2 submitters: Uncertain significance (1). 1 of the submissions does not count toward it. Last evaluated 2022-10-13.

Conditions:
LAMA5-related disorder. Also called: LAMA5-related condition; LAMA5-Related Disorders.

Allele frequency attached by ClinVar (database versions not stated): ESP Exome Variant Server 0.00031; gnomAD exomes 0.00004 and 0.00005; ExAC 0.00006; gnomAD 0.00007 and 0.00008; TOPMed 0.00017.

Submissions (2):

Labcorp Genetics (formerly Invitae), Labcorp
Classification: Uncertain significance. Last evaluated: 2022-10-13. Review status: criteria provided, single submitter. Criteria: Invitae Variant Classification Sherloc (09022015). Collection method: clinical testing. Allele origin: germline.
Comment: ClinVar contains an entry for this variant (Variation ID: 1489102). In summary, the available evidence is currently insufficient to determine the role of this variant in disease. Therefore, it has been classified as a Variant of Uncertain Significance. Algorithms developed to predict the effect of missense changes on protein structure and function are either unavailable or do not agree on the potential impact of this missense change (SIFT: "Tolerated"; PolyPhen-2: "Possibly Damaging"; Align-GVGD: "Class C15"). This variant has not been reported in the literature in individuals affected with LAMA5-related conditions. This variant is present in population databases (rs142481643, gnomAD 0.03%). This sequence change replaces arginine, which is basic and polar, with cysteine, which is neutral and slightly polar, at codon 1121 of the LAMA5 protein (p.Arg1121Cys).

PreventionGenetics, part of Exact Sciences
Classification: Uncertain significance for LAMA5-related condition. Last evaluated: 2024-09-13. Review status: no assertion criteria provided. Collection method: clinical testing. Allele origin: germline. Not counted in ClinVar's aggregate classification.
Comment: The LAMA5 c.3361C>T variant is predicted to result in the amino acid substitution p.Arg1121Cys. To our knowledge, this variant has not been reported in the literature. This variant is reported in 0.029% of alleles in individuals of African descent in gnomAD. Although we suspect that this variant may be benign, at this time, the clinical significance of this variant is uncertain due to the absence of conclusive functional and genetic evidence.